The following is an entry in ClinVar:

ClinVar aggregate classification (germline): Benign. Review status: criteria provided, single submitter (1 of 4 stars). 2 submissions from 1 submitter: Benign (2). Last evaluated 2018-01-13.

Conditions:
Charcot-Marie-Tooth disease, type I (CMT1). Also called: Charcot-Marie-Tooth, Type 1; Charcot-Marie-Tooth disease type 1. Identifiers: Orphanet 65753, MedGen C0751036, MONDO:0019011.
Hereditary liability to pressure palsies (HNPP). Also called: POLYNEUROPATHY, FAMILIAL RECURRENT; TOMACULOUS NEUROPATHY; Hereditary Neuropathy with Liability to Pressure Palsies. Identifiers: Orphanet 640, MedGen C0393814, MONDO:0008087, OMIM 162500.

Allele frequency attached by ClinVar (database versions not stated): 1000 Genomes Project 0.01158; 1000 Genomes Project 30x 0.01202; gnomAD 0.01325 and 0.01441; TOPMed 0.01469.

Submissions (2):

Illumina Laboratory Services, Illumina
Classification: Benign for Hereditary liability to pressure palsies. Last evaluated: 2018-01-13. Review status: criteria provided, single submitter. Criteria: ICSL Variant Classification Criteria 13 December 2019. Collection method: clinical testing. Allele origin: germline.
Comment: This variant was observed in the ICSL laboratory as part of a predisposition screen in an ostensibly healthy population. It had not been previously curated by ICSL or reported in the Human Gene Mutation Database (HGMD: prior to June 1st, 2018), and was therefore a candidate for classification through an automated scoring system. Utilizing variant allele frequency, disease prevalence and penetrance estimates, and inheritance mode, an automated score was calculated to assess if this variant is too frequent to cause the disease. Based on the score and internal cut-off values, a variant classified as benign is not then subjected to further curation. The score for this variant resulted in a classification of benign for this disease.

Illumina Laboratory Services, Illumina
Classification: Benign for Charcot-Marie-Tooth disease, type I. Last evaluated: 2018-01-13. Review status: criteria provided, single submitter. Criteria: ICSL Variant Classification Criteria 13 December 2019. Collection method: clinical testing. Allele origin: germline.
Comment: the same text as in the submission from Illumina Laboratory Services, Illumina above.

NM_000304.4(PMP22):c.-74A>G

Gene: PMP22 (peripheral myelin protein 22; minus strand). Cytogenetic location: 17p12.
Variant type: single nucleotide variant.
Coding change: c.-74A>G on transcript NM_000304.4 (MANE Select); 74 bases upstream of the start codon, A replaced by G.
Molecular consequence: 5 prime UTR variant. On other transcripts: non-coding transcript variant (2).
Genome position (GRCh38, 1-based): chr17:15,265,193, T>C on the plus strand (A>G on the coding strand, the complement: PMP22 is on the minus strand). VCF-style: chr17-15265193-T-C. GRCh37 (hg19) VCF-style: chr17-15168510-T-C.
Other names: c.-70A>G (NM_001281456.2); c.-74A>G (NM_001330143.2).
Identifiers: ClinVar variation 321864 (VCV000321864.5), dbSNP rs114365663, ClinGen allele CA10644903.
Genomic context (GRCh38, chr17:15,265,193, plus strand): 5'-CAGTTTGCCAATAAAACTCACCCGGCCAAACAGCGTAACCCCTTCTTCCAAGCAGATTTC[T>C]TTGCAGCCAAATGCAAGGGATGTTAAGGCAAGACCCTCCCCACAGGGCAGTCAGAGACCC-3'